The following is an entry in ClinVar:

NC_000001.10:g.(?_179533805)_(179533948_?)del

Gene: NPHS2 (NPHS2 stomatin family member, podocin; minus strand). Cytogenetic location: 1q25.2.
Variant type: Deletion.
Identifiers: ClinVar variation 3247988 (VCV003247988.1).

ClinVar aggregate classification (germline): Pathogenic (1 of 4 stars; one submission).

Submission:

Labcorp Genetics (formerly Invitae), Labcorp
Classification: Pathogenic. Last evaluated: 2023-03-26. Review status: criteria provided, single submitter. Criteria: Invitae Variant Classification Sherloc (09022015). Collection method: clinical testing. Allele origin: unknown.
Comment: For these reasons, this variant has been classified as Pathogenic. A similar copy number variant has been observed in individual(s) with congenital nephrotic syndrome (PMID: 28780565). This variant is a gross deletion of the genomic region encompassing exon(s) 2 of the NPHS2 gene. This deletion is out-of-frame, and is expected to create a premature termination codon and result in an absent or disrupted protein product. Loss-of-function variants in NPHS2 are known to be pathogenic (PMID: 10742096, 14701729, 15253708, 23595123).

Literature cited by the submitters: PubMed 28780565; PubMed 10742096; PubMed 14701729; PubMed 15253708; PubMed 23595123.